The following is an entry in ClinVar:

ClinVar aggregate classification (germline): Pathogenic. Review status: criteria provided, multiple submitters, no conflicts (2 of 4 stars). 6 submissions from 6 submitters: Pathogenic (5). 1 of the submissions does not count toward it. Last evaluated 2025-11-26.

Conditions:
Mucopolysaccharidosis type 6 (MPS6). Also called: N-ACETYLGALACTOSAMINE-4-SULFATASE DEFICIENCY; MPS VI; MPS 6; Maroteaux Lamy syndrome; ARSB DEFICIENCY; ARYLSULFATASE B DEFICIENCY. Identifiers: Orphanet 583, MedGen C0026709, MONDO:0009661, OMIM 253200.

Submissions (6):

Labcorp Genetics (formerly Invitae), Labcorp
Classification: Pathogenic for Mucopolysaccharidosis type 6. Last evaluated: 2025-11-26. Review status: criteria provided, single submitter. Criteria: Invitae Variant Classification Sherloc (09022015). Collection method: clinical testing. Allele origin: germline.
Comment: This sequence change creates a premature translational stop signal (p.Val512Profs*3) in the ARSB gene. While this is not anticipated to result in nonsense mediated decay, it is expected to disrupt the last 22 amino acid(s) of the ARSB protein. This variant is present in population databases (no rsID available, gnomAD 0.0009%). This premature translational stop signal has been observed in individual(s) with mucopolysaccharidosis type VI (PMID: 17458871). ClinVar contains an entry for this variant (Variation ID: 559721). This variant disrupts a region of the ARSB protein in which other variant(s) (p.Thr526Metfs*48) have been determined to be pathogenic (PMID: 8116615, 24677745). This suggests that this is a clinically significant region of the protein, and that variants that disrupt it are likely to be disease-causing. For these reasons, this variant has been classified as Pathogenic.

Natera, Inc.
Classification: Pathogenic for Mucopolysaccharidosis type VI. Last evaluated: 2025-01-02. Review status: criteria provided, single submitter. Criteria: Natera Variant Classification Schema (03/2026). Collection method: clinical testing. Allele origin: germline.
Comment: The c.1534_1556delGTGTACTTCCCTGCACAGGACCC variant in ARSB is a frameshift variant predicted to shift the reading frame beginning at codon 512 and leads to a stop codon 3 codons downstream. This variant is expected to result in nonsense mediated decay, truncation, or a dysfunctional protein product. This variant is rare in the general population with a frequency below the threshold expected for the associated phenotype(s). This variant has been observed in one or more individuals affected with the associated recessive disease, as either homozygous or compound heterozygous with a second variant (PMID: 16435196, 17458871). Additionally, this variant has been observed to segregate in affected family members (PMID: 16435196). Given the available evidence, this variant is classified as Pathogenic.

Baylor Genetics
Classification: Pathogenic for Mucopolysaccharidosis type 6. Last evaluated: 2023-09-05. Review status: criteria provided, single submitter. Criteria: ACMG Guidelines, 2015. Collection method: clinical testing. Allele origin: unknown.

Mendelics
Classification: Pathogenic for Mucopolysaccharidosis type 6. Last evaluated: 2022-05-04. Review status: criteria provided, single submitter. Criteria: Mendelics Assertion Criteria 2019. Collection method: clinical testing. Allele origin: germline.

Women's Health and Genetics/Laboratory Corporation of America, LabCorp
Classification: Pathogenic for Mucopolysaccharidosis type 6. Last evaluated: 2021-05-13. Review status: criteria provided, single submitter. Criteria: LabCorp Variant Classification Summary - May 2015. Collection method: clinical testing. Allele origin: germline.
Comment: Variant summary: ARSB c.1534_1556del23 (p.Val512ProfsX3) results in a premature termination codon, predicted to cause a truncation of the encoded protein or absence of the protein due to nonsense mediated decay, which are commonly known mechanisms for disease. The variant allele was found at a frequency of 4e-06 in 251598 control chromosomes (gnomAD and publication data). c.1534_1556del23 has been reported in the literature in multiple individuals affected with Mucopolysaccharidosis Type VI (Maroteaux-Lamy Syndrome), including two homozygotes (Petry_2003, Petry_2005, Karageorgos_2007, Giraldo_2015). These data indicate that the variant is very likely to be associated with disease. To our knowledge, no experimental evidence demonstrating an impact on protein function has been reported. One ClinVar submitter (evaluation after 2014) cites the variant as uncertain significance. Based on the evidence outlined above, the variant was classified as pathogenic.

Laboratory of Diagnosis and Therapy of Lysosomal Disorders, University of Padova
Classification: Uncertain significance for Mucopolysaccharidosis type 6. Last evaluated: 2018-01-01. Review status: flagged submission. Criteria: ACMG Guidelines, 2015. Collection method: curation. Allele origin: germline. Affected: yes. Not counted in ClinVar's aggregate classification.
Comment: Absent from GnomAD (PM2

Incorrectly reported by Petry (2005) J Inherit Metab Dis 28, 1027 and Garcia (2010) J Ped Rehab Med 3 63â€“69 as c.1531_1553del
ClinVar note: Reason: Outlier claim with insufficient supporting evidence

Literature cited by the submitters: PubMed 17458871 (cited by 4 submitters); PubMed 8116615 (cited by Labcorp Genetics (formerly Invitae), Labcorp); PubMed 24677745 (cited by Labcorp Genetics (formerly Invitae), Labcorp); PubMed 16435196 (cited by 3 submitters); PubMed 26909334 (cited by Women's Health and Genetics/Laboratory Corporation of America, LabCorp and Laboratory of Diagnosis and Therapy of Lysosomal Disorders, University of Padova); PubMed 15000815 (cited by Women's Health and Genetics/Laboratory Corporation of America, LabCorp); PubMed 21791831 (cited by Laboratory of Diagnosis and Therapy of Lysosomal Disorders, University of Padova); PubMed 30118150 (cited by Laboratory of Diagnosis and Therapy of Lysosomal Disorders, University of Padova).

NM_000046.5(ARSB):c.1534_1556del (p.Val512fs)

Gene: ARSB (arylsulfatase B; minus strand). Cytogenetic location: 5q14.1.
Variant type: Deletion.
Coding change: c.1534_1556del on transcript NM_000046.5 (MANE Select); coding-DNA positions 1534 to 1556, 23 bases deleted (GTGTACTTCCCTGCACAGGACCC).
Protein change: p.Val512fs; shifts the reading frame from valine 512.
Molecular consequence: frameshift variant.
Genome position (GRCh38, 1-based): chr5:78,780,443-78,780,465, GGGTCCTGTGCAGGGAAGTACAC deleted on the plus strand (GTGTACTTCCCTGCACAGGACCC on the coding strand, the reverse complement: ARSB is on the minus strand); deleting any 23 consecutive bases within chr5:78,780,443-78,780,468 gives the same sequence; the c. name uses the placement nearest the transcript's 3' end. VCF-style (leftmost placement, unchanged base first): chr5-78780442-GGGGTCCTGTGCAGGGAAGTACAC-G. GRCh37 (hg19) VCF-style: chr5-78076265-GGGGTCCTGTGCAGGGAAGTACAC-G.
Other names: c.1534_1556delGTGTACTTCCCTGCACAGGACCC (NM_000046.4); short protein forms V512fs.
Identifiers: ClinVar variation 559721 (VCV000559721.11), dbSNP rs1310996698, ClinGen allele CA560770412.